The following is an entry in ClinVar:

ClinVar aggregate classification (germline): Uncertain significance (1 of 4 stars; one submission).

Conditions:
Duane-radial ray syndrome (DRRS). Also called: ACRORENOOCULAR SYNDROME; DR SYNDROME; DUANE ANOMALY WITH RADIAL RAY ABNORMALITIES AND DEAFNESS; Okihiro Syndrome; Duane-Radial Ray Syndrome (DRRS) / Okihiro Syndrome; Duane-Radial Ray Syndrome/Okihiro Syndrome. Identifiers: Orphanet 93293, Orphanet 959, MedGen C1623209, MONDO:0011812, OMIM 607323. Disease mechanism: gain of function.

gnomAD v4.1: 25 of 1,614,038 alleles (0.0015%); highest among the groups gnomAD compares: Middle Eastern, 0.016%; no homozygotes.

Submission:

Labcorp Genetics (formerly Invitae), Labcorp
Classification: Uncertain significance for Duane-radial ray syndrome. Last evaluated: 2024-06-28. Review status: criteria provided, single submitter. Criteria: Invitae Variant Classification Sherloc (09022015). Collection method: clinical testing. Allele origin: germline.
Comment: This sequence change replaces threonine, which is neutral and polar, with methionine, which is neutral and non-polar, at codon 710 of the SALL4 protein (p.Thr710Met). This variant is present in population databases (rs761020459, gnomAD 0.01%). This variant has not been reported in the literature in individuals affected with SALL4-related conditions. Algorithms developed to predict the effect of missense changes on protein structure and function output the following: SIFT: "Not Available"; PolyPhen-2: "Benign"; Align-GVGD: "Not Available". The methionine amino acid residue is found in multiple mammalian species, which suggests that this missense change does not adversely affect protein function. In summary, the available evidence is currently insufficient to determine the role of this variant in disease. Therefore, it has been classified as a Variant of Uncertain Significance.

NM_020436.5(SALL4):c.2129C>T (p.Thr710Met)

Gene: SALL4 (spalt like transcription factor 4; minus strand). Cytogenetic location: 20q13.2.
Variant type: single nucleotide variant.
Coding change: c.2129C>T on transcript NM_020436.5 (MANE Select); coding-DNA position 2129, C replaced by T.
Protein change: p.Thr710Met; replaces threonine 710 with methionine.
Molecular consequence: missense variant. On other transcripts: intron variant (1).
Genome position (GRCh38, 1-based): chr20:51,790,354, G>A on the plus strand (C>T on the coding strand, the complement: SALL4 is on the minus strand). VCF-style: chr20-51790354-G-A. GRCh37 (hg19) VCF-style: chr20-50406893-G-A.
Other names: c.1150+979C>T (NM_001318031.2); short protein forms T710M.
Identifiers: ClinVar variation 3713610 (VCV003713610.2).
Genomic context (GRCh38, chr20:51,790,354, plus strand): 5'-AAGGAAGCCATCATGGCAAACCCTAGCGTGGGTGATGCCGAGTGGATGCTGGGAAGAGGC[G>A]TGGGGACCTTGGAGGAGCTGCTGGGAGCCTCCTGGGAGCTGACTTCCTCTACATCGATGC-3'
Protein context (NP_065169.1, residues 700-720): EAPSSSSKVP[Thr710Met]PLPSIHSASP